The following is an entry in ClinVar:

NM_032043.3(BRIP1):c.1501G>C (p.Glu501Gln)

Gene: BRIP1 (BRCA1 interacting DNA helicase 1; minus strand). Cytogenetic location: 17q23.2.
Variant type: single nucleotide variant.
Coding change: c.1501G>C on transcript NM_032043.3 (MANE Select); coding-DNA position 1501, G replaced by C.
Protein change: p.Glu501Gln; replaces glutamic acid 501 with glutamine.
Molecular consequence: missense variant.
Genome position (GRCh38, 1-based): chr17:61,784,397, C>G on the plus strand (G>C on the coding strand, the complement: BRIP1 is on the minus strand). VCF-style: chr17-61784397-C-G. GRCh37 (hg19) VCF-style: chr17-59861758-C-G.
Other names: short protein forms E501Q.
Identifiers: ClinVar variation 2953944 (VCV002953944.3), dbSNP rs2545055380, ClinGen allele CA400481412.

ClinVar aggregate classification (germline): Uncertain significance (1 of 4 stars; one submission).

Conditions:
Familial cancer of breast. Also called: BREAST CANCER, FAMILIAL; hereditary breast carcinoma; Hereditary breast cancer. Identifiers: Orphanet 227535, MedGen C0346153, MONDO:0016419, OMIM 114480. Disease mechanism: loss of function.
Fanconi anemia complementation group J. Also called: BRIP1-Related Fanconi Anemia. Identifiers: Orphanet 84, MedGen C1836860, MONDO:0012187, OMIM 609054.

Submission:

Labcorp Genetics (formerly Invitae), Labcorp
Classification: Uncertain significance for Familial cancer of breast; Fanconi anemia complementation group J. Last evaluated: 2023-11-17. Review status: criteria provided, single submitter. Criteria: Invitae Variant Classification Sherloc (09022015). Collection method: clinical testing. Allele origin: germline.
Comment: This sequence change replaces glutamic acid, which is acidic and polar, with glutamine, which is neutral and polar, at codon 501 of the BRIP1 protein (p.Glu501Gln). RNA analysis indicates that this missense change induces altered splicing and likely results in the loss of 10 amino acid residue(s), but is expected to preserve the integrity of the reading-frame. This variant is not present in population databases (gnomAD no frequency). This variant has not been reported in the literature in individuals affected with BRIP1-related conditions. Advanced modeling of protein sequence and biophysical properties (such as structural, functional, and spatial information, amino acid conservation, physicochemical variation, residue mobility, and thermodynamic stability) performed at Invitae indicates that this missense variant is not expected to disrupt BRIP1 protein function with a negative predictive value of 80%. Studies have shown that this missense change results in the activation of a cryptic splice site in 11 (Invitae). In summary, the available evidence is currently insufficient to determine the role of this variant in disease. Therefore, it has been classified as a Variant of Uncertain Significance.